The following is an entry in ClinVar:

NM_020778.5(ALPK3):c.3038G>A (p.Arg1013His)

Gene: ALPK3 (alpha kinase 3; plus strand). Cytogenetic location: 15q25.3.
Variant type: single nucleotide variant.
Coding change: c.3038G>A on transcript NM_020778.5 (MANE Select); coding-DNA position 3038, G replaced by A.
Protein change: p.Arg1013His; replaces arginine 1013 with histidine.
Molecular consequence: missense variant.
Genome position (GRCh38, 1-based): chr15:84,857,776, G>A. VCF-style: chr15-84857776-G-A. GRCh37 (hg19) VCF-style: chr15-85401007-G-A.
Other names: p.Arg1215His; short protein forms R1013H.
Identifiers: ClinVar variation 1193213 (VCV001193213.17), dbSNP rs201993684, ClinGen allele CA7709545.

ClinVar aggregate classification (germline): Conflicting classifications of pathogenicity. Review status: criteria provided, conflicting classifications (1 of 4 stars). 7 submissions from 7 submitters: Uncertain significance (6); Likely benign (1). Last evaluated 2026-09-21.

Conditions:
Cardiovascular phenotype. Identifiers: MedGen CN230736.
Cardiomyopathy, familial hypertrophic 27. Identifiers: MedGen C4748014, MONDO:0054838, OMIM 618052.

Allele frequency attached by ClinVar (database versions not stated): gnomAD 0.00008 and 0.00009; TOPMed 0.00010; gnomAD exomes 0.00016; ExAC 0.00014; 1000 Genomes Project 30x 0.00047; 1000 Genomes Project 0.00040.
gnomAD v4.1: 175 of 1,612,326 alleles (0.011%); highest among the groups gnomAD compares: South Asian, 0.02%; no homozygotes.

Submissions (7):

Molecular Diagnostic Laboratory for Inherited Cardiovascular Disease, Montreal Heart Institute
Classification: Likely benign. Last evaluated: 2026-09-21. Review status: criteria provided, single submitter. Criteria: ACMG Guidelines, 2015. Collection method: clinical testing. Allele origin: germline. Affected: no.
Comment: BP1;BP4

Labcorp Genetics (formerly Invitae), Labcorp
Classification: Uncertain significance. Last evaluated: 2026-02-03. Review status: criteria provided, single submitter. Criteria: Invitae Variant Classification Sherloc (09022015). Collection method: clinical testing. Allele origin: germline.
Comment: This sequence change replaces arginine, which is basic and polar, with histidine, which is basic and polar, at codon 1215 of the ALPK3 protein (p.Arg1215His). This variant is present in population databases (rs201993684, gnomAD 0.08%). This missense change has been observed in individual(s) with dilated cardiomyopathy or hypertrophic cardiomyopathy (PMID: 30847666, 32480058). ClinVar contains an entry for this variant (Variation ID: 1193213). Invitae Evidence Modeling of protein sequence and biophysical properties (such as structural, functional, and spatial information, amino acid conservation, physicochemical variation, residue mobility, and thermodynamic stability) indicates that this missense variant is expected to disrupt ALPK3 protein function with a positive predictive value of 80%. In summary, the available evidence is currently insufficient to determine the role of this variant in disease. Therefore, it has been classified as a Variant of Uncertain Significance.

Mayo Clinic Laboratories, Mayo Clinic
Classification: Uncertain significance. Last evaluated: 2025-02-23. Review status: criteria provided, single submitter. Criteria: ACMG Guidelines, 2015. Collection method: clinical testing. Allele origin: germline. Observed: 1 variant allele.
Comment: BP4

Blueprint Genetics
Classification: Uncertain significance. Last evaluated: 2024-10-04. Review status: criteria provided, single submitter. Criteria: ACMG Guidelines, 2015. Collection method: clinical testing. Allele origin: germline.

GeneDx
Classification: Uncertain significance. Last evaluated: 2024-07-15. Review status: criteria provided, single submitter. Criteria: GeneDx Variant Classification Process June 2021. Collection method: clinical testing. Allele origin: germline. Affected: yes.
Comment: Identified in patients with cardiomyopathy in the published literature (PMID: 30847666, 32480058); In silico analysis indicates that this missense variant does not alter protein structure/function; This variant is associated with the following publications: (PMID: 32480058, 30847666)

Ambry Genetics
Classification: Uncertain significance for Cardiovascular phenotype. Last evaluated: 2023-11-29. Review status: criteria provided, single submitter. Criteria: Ambry Variant Classification Scheme 2023. Collection method: clinical testing. Allele origin: germline.
Comment: The p.R1215H variant (also known as c.3644G>A), located in coding exon 6 of the ALPK3 gene, results from a G to A substitution at nucleotide position 3644. The arginine at codon 1215 is replaced by histidine, an amino acid with highly similar properties. This variant was detected in a cardiomyopathy/arrhythmia genetic testing cohort; however, clinical details were limited, and additional cardiac variants were detected in some cases (van Lint FHM et al. Neth Heart J, 2019 Jun;27:304-309). This amino acid position is not well conserved in available vertebrate species. In addition, the in silico prediction for this alteration is inconclusive. Since supporting evidence is limited at this time, the clinical significance of this alteration remains unclear.

Clinical Genomics Laboratory, Stanford Medicine
Classification: Uncertain significance for Cardiomyopathy, familial hypertrophic 27. Last evaluated: 2021-04-08. Review status: criteria provided, single submitter. Criteria: ACMG Guidelines, 2015. Collection method: clinical testing. Allele origin: germline. Affected: yes. Observed: 1 heterozygote.
Comment: The p.Arg1215His variant in the ALPK3 gene has been previously reported as a heterozygous variant of uncertain significance in at least 2 unrelated individuals with cardiomyopathy (Herkert et al., 2020; van Lint et al., 2019). This variant has been identified in 9/30,554 South Asian chromosomes (40/281,284 chromosomes overall) by the Genome Aggregation Database. Computational tools predict that this variant does not impact protein function; however, the accuracy of in silico algorithms is limited. The Arginine at position 1215 is not evolutionarily conserved across all species, and Arg>His is observed. In summary, the available evidence is currently insufficient to determine the role of this variant in disease. Therefore, it has been classified as a Variant of Uncertain Significance. [ACMG evidence codes used: BP4]

Literature cited by the submitters: PubMed 30847666 (cited by 3 submitters); PubMed 32480058 (cited by Labcorp Genetics (formerly Invitae), Labcorp and Mayo Clinic Laboratories, Mayo Clinic).